The following is an entry in ClinVar:

ClinVar aggregate classification (germline): Uncertain significance (1 of 4 stars; one submission).

Submission:

GeneDx
Classification: Uncertain significance. Last evaluated: 2022-11-15. Review status: criteria provided, single submitter. Criteria: GeneDx Variant Classification Process June 2021. Collection method: clinical testing. Allele origin: germline. Affected: yes.
Comment: Not observed at significant frequency in large population cohorts (gnomAD); In silico analysis supports that this missense variant has a deleterious effect on protein structure/function; Has not been previously published as pathogenic or benign to our knowledge

NM_013444.4(UBQLN2):c.267G>T (p.Gln89His)

Gene: UBQLN2 (ubiquilin 2; plus strand). Cytogenetic location: Xp11.21.
Variant type: single nucleotide variant.
Coding change: c.267G>T on transcript NM_013444.4 (MANE Select); coding-DNA position 267, G replaced by T.
Protein change: p.Gln89His; replaces glutamine 89 with histidine.
Molecular consequence: missense variant.
Genome position (GRCh38, 1-based): chrX:56,564,140, G>T. VCF-style: chrX-56564140-G-T. GRCh37 (hg19) VCF-style: chrX-56590573-G-T.
Other names: short protein forms Q89H.
Identifiers: ClinVar variation 2502123 (VCV002502123.1), dbSNP rs752481114, ClinGen allele CA413377953.